The following is an entry in ClinVar:

ClinVar aggregate classification (germline): Uncertain significance (1 of 4 stars; one submission).

Submission:

GeneDx
Classification: Uncertain significance. Last evaluated: 2023-07-20. Review status: criteria provided, single submitter. Criteria: GeneDx Variant Classification Process June 2021. Collection method: clinical testing. Allele origin: germline. Affected: yes.
Comment: Has not been previously published as pathogenic or benign to our knowledge; Not observed at significant frequency in large population cohorts (gnomAD); In silico analysis supports that this missense variant does not alter protein structure/function

NM_031407.7(HUWE1):c.8762C>T (p.Ala2921Val)

Gene: HUWE1 (HECT, UBA and WWE domain containing E3 ubiquitin protein ligase 1; minus strand). Cytogenetic location: Xp11.22.
Variant type: single nucleotide variant.
Coding change: c.8762C>T on transcript NM_031407.7 (MANE Select); coding-DNA position 8762, C replaced by T.
Protein change: p.Ala2921Val; replaces alanine 2921 with valine.
Molecular consequence: missense variant.
Genome position (GRCh38, 1-based): chrX:53,552,430, G>A on the plus strand (C>T on the coding strand, the complement: HUWE1 is on the minus strand). VCF-style: chrX-53552430-G-A. GRCh37 (hg19) VCF-style: chrX-53579391-G-A.
Other names: short protein forms A2921V.
Identifiers: ClinVar variation 3361184 (VCV003361184.1).